The following is an entry in ClinVar:

ClinVar aggregate classification (germline): Uncertain significance. Review status: criteria provided, multiple submitters, no conflicts (2 of 4 stars). 3 submissions from 3 submitters: Uncertain significance (3). Last evaluated 2025-10-25.

Conditions:
Inborn genetic diseases. Identifiers: MedGen C0950123, MeSH D030342.
Giant axonal neuropathy 1 (GAN1). Also called: GIANT AXONAL NEUROPATHY 1, AUTOSOMAL RECESSIVE; GAN-Related Neurodegeneration. Identifiers: Orphanet 643, MedGen C1850386, MONDO:0009749, OMIM 256850.

Allele frequency attached by ClinVar (database versions not stated): ESP Exome Variant Server 0.00008; ExAC 0.00001; gnomAD exomes 0.00001 and 0.00002; TOPMed 0.00001; gnomAD 0.00003.
gnomAD v4.1: 28 of 1,613,304 alleles (0.0017%); highest among the groups gnomAD compares: Non-Finnish European, 0.0023%; no homozygotes.

Submissions (3):

Ambry Genetics
Classification: Uncertain significance for Inborn genetic diseases. Last evaluated: 2025-10-25. Review status: criteria provided, single submitter. Criteria: Ambry Variant Classification Scheme 2023. Collection method: clinical testing. Allele origin: germline.

Labcorp Genetics (formerly Invitae), Labcorp
Classification: Uncertain significance for Giant axonal neuropathy 1. Last evaluated: 2021-09-06. Review status: criteria provided, single submitter. Criteria: Invitae Variant Classification Sherloc (09022015). Collection method: clinical testing. Allele origin: germline.
Comment: In summary, the available evidence is currently insufficient to determine the role of this variant in disease. Therefore, it has been classified as a Variant of Uncertain Significance. Algorithms developed to predict the effect of missense changes on protein structure and function (SIFT, PolyPhen-2, Align-GVGD) all suggest that this variant is likely to be tolerated. This variant has not been reported in the literature in individuals affected with GAN-related conditions. This variant is present in population databases (rs368231984, ExAC 0.001%). This sequence change replaces lysine with glutamic acid at codon 399 of the GAN protein (p.Lys399Glu). The lysine residue is moderately conserved and there is a small physicochemical difference between lysine and glutamic acid.

Fulgent Genetics
Classification: Uncertain significance for Giant axonal neuropathy 1. Last evaluated: 2018-10-31. Review status: criteria provided, single submitter. Criteria: ACMG Guidelines, 2015. Collection method: clinical testing. Allele origin: unknown.

NM_022041.4(GAN):c.1195A>G (p.Lys399Glu)

Gene: GAN (gigaxonin; plus strand). Cytogenetic location: 16q23.2.
Variant type: single nucleotide variant.
Coding change: c.1195A>G on transcript NM_022041.4 (MANE Select); coding-DNA position 1195, A replaced by G.
Protein change: p.Lys399Glu; replaces lysine 399 with glutamic acid.
Molecular consequence: missense variant.
Genome position (GRCh38, 1-based): chr16:81,363,902, A>G. VCF-style: chr16-81363902-A-G. GRCh37 (hg19) VCF-style: chr16-81397507-A-G.
Other names: c.556A>G, p.Lys186Glu (NM_001377486.1); short protein forms K399E, K186E.
Identifiers: ClinVar variation 576220 (VCV000576220.9), dbSNP rs368231984, ClinGen allele CA8191643.